The following is an entry in ClinVar:

ClinVar aggregate classification (germline): Uncertain significance (1 of 4 stars; one submission).

Conditions:
Adams-Oliver syndrome 5 (AOS5). Identifiers: Orphanet 974, MedGen C4014970, MONDO:0014459, OMIM 616028.

Submission:

Labcorp Genetics (formerly Invitae), Labcorp
Classification: Uncertain significance for Adams-Oliver syndrome 5. Last evaluated: 2022-11-03. Review status: criteria provided, single submitter. Criteria: Invitae Variant Classification Sherloc (09022015). Collection method: clinical testing. Allele origin: germline.
Comment: ClinVar contains an entry for this variant (Variation ID: 864170). This variant has not been reported in the literature in individuals affected with NOTCH1-related conditions. This variant is not present in population databases (gnomAD no frequency). This sequence change replaces serine, which is neutral and polar, with threonine, which is neutral and polar, at codon 1152 of the NOTCH1 protein (p.Ser1152Thr). Advanced modeling of protein sequence and biophysical properties (such as structural, functional, and spatial information, amino acid conservation, physicochemical variation, residue mobility, and thermodynamic stability) performed at Invitae indicates that this missense variant is not expected to disrupt NOTCH1 protein function. In summary, the available evidence is currently insufficient to determine the role of this variant in disease. Therefore, it has been classified as a Variant of Uncertain Significance.

NM_017617.5(NOTCH1):c.3455G>C (p.Ser1152Thr)

Gene: NOTCH1 (notch receptor 1; minus strand). Cytogenetic location: 9q34.3.
Variant type: single nucleotide variant.
Coding change: c.3455G>C on transcript NM_017617.5 (MANE Select); coding-DNA position 3455, G replaced by C.
Protein change: p.Ser1152Thr; replaces serine 1152 with threonine.
Molecular consequence: missense variant.
Genome position (GRCh38, 1-based): chr9:136,508,010, C>G on the plus strand (G>C on the coding strand, the complement: NOTCH1 is on the minus strand). VCF-style: chr9-136508010-C-G. GRCh37 (hg19) VCF-style: chr9-139402462-C-G.
Other names: short protein forms S1152T.
Identifiers: ClinVar variation 864170 (VCV000864170.9), dbSNP rs1843116111, ClinGen allele CA375551095.
Genomic context (GRCh38, chr9:136,508,010, plus strand): 5'-CCCACCTTGCAGGAGTAGCCGCCCAGGTAGTCCGTGCAGGTGGCCCCGTTCTGGCAGGGG[C>G]TGGGTGAGCACTCGTCCACCAGGTCCTCACAGTAGCTGCCTGTGTAGCCCGCCTGGCAGC-3'
Protein context (NP_060087.3, residues 1142-1162): CEDLVDECSP[Ser1152Thr]PCQNGATCTD